The following is an entry in ClinVar:

ClinVar aggregate classification (germline): Benign. Review status: criteria provided, multiple submitters, no conflicts (2 of 4 stars). 2 submissions from 2 submitters: Benign (2). Last evaluated 2018-06-19.

Allele frequency attached by ClinVar (database versions not stated): gnomAD 0.07152; TOPMed 0.07817; 1000 Genomes Project 0.08287; 1000 Genomes Project 30x 0.08339.
gnomAD v4.1: 132,507 of 1,511,820 alleles (8.8%); highest among the groups gnomAD compares: South Asian, 14%; 6,560 homozygotes.

Submissions (2):

GeneDx
Classification: Benign. Last evaluated: 2018-06-19. Review status: criteria provided, single submitter. Criteria: GeneDx Variant Classification (06012015). Collection method: clinical testing. Allele origin: germline. Affected: yes.
Comment: This variant is considered likely benign or benign based on one or more of the following criteria: it is a conservative change, it occurs at a poorly conserved position in the protein, it is predicted to be benign by multiple in silico algorithms, and/or has population frequency not consistent with disease.

Breakthrough Genomics
Classification: Benign. Review status: criteria provided, single submitter. Criteria: ACMG Guidelines, 2015. Collection method: not provided. Allele origin: germline. Inheritance: Autosomal recessive inheritance. Affected: yes.

NM_001849.4(COL6A2):c.2422+112C>A

Gene: COL6A2 (collagen type VI alpha 2 chain; plus strand). Cytogenetic location: 21q22.3.
Variant type: single nucleotide variant.
Coding change: c.2422+112C>A on transcript NM_001849.4 (MANE Select); 112 bases into the intron after coding-DNA position 2422, C replaced by A.
Molecular consequence: intron variant.
Genome position (GRCh38, 1-based): chr21:46,126,349, C>A. VCF-style: chr21-46126349-C-A. GRCh37 (hg19) VCF-style: chr21-47546263-C-A.
Other names: c.2422+112C>A (NM_058175.3, NM_058174.3).
Identifiers: ClinVar variation 680246 (VCV000680246.2), dbSNP rs79666692, ClinGen allele CA14881781.